The following is an entry in ClinVar:

NM_000135.4(FANCA):c.710-10G>A

Gene: FANCA (FA complementation group A; minus strand). Cytogenetic location: 16q24.3.
Variant type: single nucleotide variant.
Coding change: c.710-10G>A on transcript NM_000135.4 (MANE Select); 10 bases into the intron before coding-DNA position 710, G replaced by A.
Molecular consequence: intron variant.
Genome position (GRCh38, 1-based): chr16:89,803,351, C>T on the plus strand (G>A on the coding strand, the complement: FANCA is on the minus strand). VCF-style: chr16-89803351-C-T. GRCh37 (hg19) VCF-style: chr16-89869759-C-T.
Other names: c.710-10G>A (NM_001286167.3, NM_001018112.3); c.614-10G>A (NM_001351830.2).
Identifiers: ClinVar variation 973990 (VCV000973990.3), dbSNP rs2040524006, ClinGen allele CA1139664978.

ClinVar aggregate classification (germline): Conflicting classifications of pathogenicity. Review status: criteria provided, conflicting classifications (1 of 4 stars). 3 submissions from 3 submitters: Likely pathogenic (1); Uncertain significance (1). 1 of the submissions does not count toward it. Last evaluated 2022-05-15.

Conditions:
Fanconi anemia complementation group A (FANCA). Also called: Fanconi anemia, group A; FANCA-Related Fanconi Anemia. Identifiers: Orphanet 84, MedGen C3469521, MONDO:0009215, OMIM 227650.

Allele frequency attached by ClinVar (database versions not stated): gnomAD exomes below 0.00001.
gnomAD v4.1: 4 of 1,612,424 alleles (0.00025%); highest among the groups gnomAD compares: South Asian, 0.0044%; no homozygotes.

Submissions (3):

Baylor Genetics
Classification: Likely pathogenic for Fanconi anemia complementation group A. Last evaluated: 2022-05-15. Review status: criteria provided, single submitter. Criteria: ACMG Guidelines, 2015. Collection method: clinical testing. Allele origin: unknown.

Fulgent Genetics
Classification: Uncertain significance for Fanconi anemia complementation group A. Last evaluated: 2022-03-17. Review status: criteria provided, single submitter. Criteria: ACMG Guidelines, 2015. Collection method: clinical testing. Allele origin: unknown.

Leiden Open Variation Database
Classification: Uncertain significance for Fanconi anemia complementation group A. Last evaluated: 2020-02-28. Review status: no assertion criteria provided. Collection method: curation. Allele origin: germline. Affected: yes. Not counted in ClinVar's aggregate classification.
Comment: Curator: Arleen D. Auerbach. Submitter to LOVD: Sue Richards.